The following is an entry in ClinVar:

ClinVar aggregate classification (germline): Uncertain significance (1 of 4 stars; one submission).

Allele frequency attached by ClinVar (database versions not stated): gnomAD exomes below 0.00001; ExAC 0.00001.
gnomAD v4.1: 1 of 1,613,842 alleles (0.000062%); highest among the groups gnomAD compares: Non-Finnish European, 0.000085%; no homozygotes.

Submission:

Labcorp Genetics (formerly Invitae), Labcorp
Classification: Uncertain significance. Last evaluated: 2024-10-15. Review status: criteria provided, single submitter. Criteria: Invitae Variant Classification Sherloc (09022015). Collection method: clinical testing. Allele origin: germline.
Comment: This sequence change replaces aspartic acid, which is acidic and polar, with histidine, which is basic and polar, at codon 169 of the CCBE1 protein (p.Asp169His). This variant is present in population databases (rs779047579, gnomAD 0.0009%). This variant has not been reported in the literature in individuals affected with CCBE1-related conditions. ClinVar contains an entry for this variant (Variation ID: 1494075). Invitae Evidence Modeling of protein sequence and biophysical properties (such as structural, functional, and spatial information, amino acid conservation, physicochemical variation, residue mobility, and thermodynamic stability) indicates that this missense variant is not expected to disrupt CCBE1 protein function with a negative predictive value of 80%. In summary, the available evidence is currently insufficient to determine the role of this variant in disease. Therefore, it has been classified as a Variant of Uncertain Significance.

NM_133459.4(CCBE1):c.505G>C (p.Asp169His)

Gene: CCBE1 (collagen and calcium binding EGF domains 1; minus strand). Cytogenetic location: 18q21.32.
Variant type: single nucleotide variant.
Coding change: c.505G>C on transcript NM_133459.4 (MANE Select); coding-DNA position 505, G replaced by C.
Protein change: p.Asp169His; replaces aspartic acid 169 with histidine.
Molecular consequence: missense variant.
Genome position (GRCh38, 1-based): chr18:59,466,787, C>G on the plus strand (G>C on the coding strand, the complement: CCBE1 is on the minus strand). VCF-style: chr18-59466787-C-G. GRCh37 (hg19) VCF-style: chr18-57134019-C-G.
Other names: short protein forms D169H.
Identifiers: ClinVar variation 1494075 (VCV001494075.8), dbSNP rs779047579, ClinGen allele CA8980473.